The following is an entry in ClinVar:

ClinVar aggregate classification (germline): Pathogenic. Review status: criteria provided, multiple submitters, no conflicts (2 of 4 stars). 3 submissions from 3 submitters: Pathogenic (2). 1 of the submissions does not count toward it. Last evaluated 2020-02-05.

Conditions:
Polycystic kidney disease. Also called: Polycystic kidney dysplasia; Kidney, Polycystic. Identifiers: MedGen C0022680, MeSH D007690, MONDO:0020642, HP:0000113.
Polycystic kidney disease, adult type (PKD1). Also called: POLYCYSTIC KIDNEY DISEASE, ADULT, TYPE I; Polycystic Kidney Disease 1, Autosomal Dominant; Polycystic kidney disease 1; Polycystic kidney disease 1, severe; Polycystic Kidney, Autosomal Dominant; POLYCYSTIC KIDNEY DISEASE 1 WITH OR WITHOUT POLYCYSTIC LIVER DISEASE. Identifiers: MedGen C3149841, MONDO:0008263, OMIM 173900.

Submissions (3):

Cavalleri Lab, Royal College of Surgeons in Ireland
Classification: Pathogenic for Polycystic kidney disease, adult type. Last evaluated: 2020-02-05. Review status: criteria provided, single submitter. Criteria: ACMG Guidelines, 2015. Collection method: research. Allele origin: unknown. Inheritance: Autosomal dominant inheritance. Affected: yes.
Comment: PVS1, PM2, PP4

Juno Genomics, Hangzhou Juno Genomics, Inc
Classification: Pathogenic for Polycystic kidney disease, adult type. Review status: criteria provided, single submitter. Criteria: ACMG Guidelines, 2015. Collection method: clinical testing. Allele origin: germline. Affected: yes.
Comment: Absent from controls (or at extremely low frequency if recessive) in Genome Aggregation Database, Exome Sequencing Project, 1000 Genomes Project, or Exome Aggregation Consortium.;Null variant in a gene where loss of function (LOF) is a known mechanism of disease.;The prevalence of the variant in affected individuals is significantly increased compared to the prevalence in controls.;Patient's phenotype or family history is highly specific for a disease with a single genetic etiology.

Department of Pathology and Laboratory Medicine, Sinai Health System
Classification: Pathogenic for Polycystic Kidney disease. Review status: no assertion criteria provided. Collection method: clinical testing. Allele origin: unknown. Affected: yes. Study: The Canadian Open Genetics Repository (COGR). Not counted in ClinVar's aggregate classification.
Comment: The PKD1 p.Gln2123* variant was not identified in the literature nor was it identified in the dbSNP, ClinVar, LOVD 3.0, ADPKD Mutation Database, or PKD1-LOVD databases. The variant was not identified in the following control databases: the Exome Aggregation Consortium (August 8th 2016) or the Genome Aggregation Database (Feb 27, 2017). The p.Gln2123* variant leads to a premature stop codon at position 2123, which is predicted to lead to a truncated or absent protein and loss of function. Loss of function variants of the PKD1 gene are an established mechanism of disease in Autosomal Dominant Polycystic Kidney Disease and is the type of variant expected to cause the disorder. In summary, based on the above information, this variant meets our laboratoryâ€šÃ„Ã´s criteria to be classified as pathogenic.

NM_001009944.3(PKD1):c.6367C>T (p.Gln2123Ter)

Gene: PKD1 (polycystin 1, transient receptor potential channel interacting; minus strand). Cytogenetic location: 16p13.3.
Variant type: single nucleotide variant.
Coding change: c.6367C>T on transcript NM_001009944.3 (MANE Select); coding-DNA position 6367, C replaced by T.
Protein change: p.Gln2123Ter; replaces glutamine 2123 with a stop codon.
Molecular consequence: nonsense.
Genome position (GRCh38, 1-based): chr16:2,108,800, G>A on the plus strand (C>T on the coding strand, the complement: PKD1 is on the minus strand). VCF-style: chr16-2108800-G-A. GRCh37 (hg19) VCF-style: chr16-2158801-G-A.
Other names: c.6367C>T, p.Gln2123Ter (NM_000296.4); short protein forms Q2123*.
Identifiers: ClinVar variation 873330 (VCV000873330.4), dbSNP rs762911981, ClinGen allele CA394373699.